The following is an entry in ClinVar:

ClinVar aggregate classification (germline): Uncertain significance (1 of 4 stars; one submission).

Conditions:
Autosomal dominant limb-girdle muscular dystrophy type 1D (DNAJB6) (LGMDD1). Also called: MUSCULAR DYSTROPHY, AUTOSOMAL DOMINANT, WITH RIMMED VACUOLES; MUSCULAR DYSTROPHY, LIMB-GIRDLE, TYPE 1D; Autosomal dominant limb-girdle muscular dystrophy type 1D; Muscular dystrophy, limb-girdle, autosomal dominant 1. Identifiers: Orphanet 34516, MedGen C4721885, MONDO:0021018, OMIM 603511.

Allele frequency attached by ClinVar (database versions not stated): gnomAD exomes below 0.00001; gnomAD 0.00001; TOPMed 0.00001.
gnomAD v4.1: 2 of 1,613,950 alleles (0.00012%); highest among the groups gnomAD compares: African/African-American, 0.0013%; no homozygotes.

Submission:

Labcorp Genetics (formerly Invitae), Labcorp
Classification: Uncertain significance for Autosomal dominant limb-girdle muscular dystrophy type 1D (DNAJB6). Last evaluated: 2024-11-06. Review status: criteria provided, single submitter. Criteria: Invitae Variant Classification Sherloc (09022015). Collection method: clinical testing. Allele origin: germline.
Comment: This sequence change replaces lysine, which is basic and polar, with arginine, which is basic and polar, at codon 61 of the DNAJB6 protein (p.Lys61Arg). This variant is not present in population databases (gnomAD no frequency). This variant has not been reported in the literature in individuals affected with DNAJB6-related conditions. ClinVar contains an entry for this variant (Variation ID: 1928884). Invitae Evidence Modeling of protein sequence and biophysical properties (such as structural, functional, and spatial information, amino acid conservation, physicochemical variation, residue mobility, and thermodynamic stability) has been performed for this missense variant. However, the output from this modeling did not meet the statistical confidence thresholds required to predict the impact of this variant on DNAJB6 protein function. In summary, the available evidence is currently insufficient to determine the role of this variant in disease. Therefore, it has been classified as a Variant of Uncertain Significance.

NM_058246.4(DNAJB6):c.182A>G (p.Lys61Arg)

Gene: DNAJB6 (DnaJ heat shock protein family (Hsp40) member B6; plus strand). Cytogenetic location: 7q36.3.
Variant type: single nucleotide variant.
Coding change: c.182A>G on transcript NM_058246.4 (MANE Select); coding-DNA position 182, A replaced by G.
Protein change: p.Lys61Arg; replaces lysine 61 with arginine.
Molecular consequence: missense variant.
Genome position (GRCh38, 1-based): chr7:157,366,508, A>G. VCF-style: chr7-157366508-A-G. GRCh37 (hg19) VCF-style: chr7-157159202-A-G.
Other names: c.182A>G, p.Lys61Arg (NM_001363676.1, NM_005494.3); short protein forms K61R.
Identifiers: ClinVar variation 1928884 (VCV001928884.5), dbSNP rs1256908358, ClinGen allele CA370165893.